The following is an entry in ClinVar:

ClinVar aggregate classification (germline): Uncertain significance. Review status: reviewed by expert panel (3 of 4 stars). 2 submissions from 2 submitters: Uncertain significance (1). 1 of the submissions does not count toward it. Last evaluated 2023-11-14.

Conditions:
Immunodeficiency 104. Also called: Severe combined immunodeficiency, autosomal recessive, T cell-negative, B cell-positive, NK cell-positive; IMMUNODEFICIENCY 104, SEVERE COMBINED; SCID, AUTOSOMAL RECESSIVE, T CELL-NEGATIVE, B CELL-POSITIVE, NK CELL-POSITIVE; Severe Combined Immune Deficiency, Autosomal Recessive, TCell -Negative, B Cell-Positive, NK Cell-Positive, IL7R-Related. Identifiers: MedGen C5676890, MONDO:0012163, OMIM 608971.

Allele frequency attached by ClinVar (database versions not stated): gnomAD exomes below 0.00001.
gnomAD v4.1: 6 of 1,505,436 alleles (0.0004%); highest among the groups gnomAD compares: Non-Finnish European, 0.00055%; no homozygotes.

Submissions (2):

ClinGen Severe Combined Immunodeficiency Variant Curation Expert Panel, ClinGen
Classification: Uncertain significance for Immunodeficiency 104. Last evaluated: 2023-11-14. Review status: reviewed by expert panel. Criteria: ClinGen SCID ACMG Specifications IL7R V1.0.0. Collection method: curation. Allele origin: germline. Inheritance: Autosomal recessive inheritance.
Comment: The c.82+14A>T (NM_002185.5) variant in IL7R is an intronic variant which locates in the deep intronic region in intron 1. It is not predicted to impact splicing by SpliceAI, varSEAK, and NNSplice. BP7 is met. This variant is absent from gnomAD v2.1.1 (PM2_Supporting). In summary, this variant is classified as uncertain significance for autosomal recessive SCID based on ACMG/AMP criteria applied, as specified by the ClinGen SCID VCEP (specification version 1.0): PM2_Supporting and BP7.

Labcorp Genetics (formerly Invitae), Labcorp
Classification: Likely benign for Immunodeficiency 104. Last evaluated: 2024-03-07. Review status: criteria provided, single submitter. Criteria: Invitae Variant Classification Sherloc (09022015). Collection method: clinical testing. Allele origin: germline. Not counted in ClinVar's aggregate classification.

NM_002185.5(IL7R):c.82+14A>T

Gene: IL7R (interleukin 7 receptor; plus strand). Cytogenetic location: 5p13.2.
Variant type: single nucleotide variant.
Coding change: c.82+14A>T on transcript NM_002185.5 (MANE Select); 14 bases into the intron after coding-DNA position 82, A replaced by T.
Molecular consequence: intron variant.
Genome position (GRCh38, 1-based): chr5:35,857,073, A>T. VCF-style: chr5-35857073-A-T. GRCh37 (hg19) VCF-style: chr5-35857175-A-T.
Identifiers: ClinVar variation 2187538 (VCV002187538.5), dbSNP rs1038024322, ClinGen allele CA116953176.